The following is an entry in ClinVar:

ClinVar aggregate classification (germline): Conflicting classifications of pathogenicity. Review status: criteria provided, conflicting classifications (1 of 4 stars). 3 submissions from 2 submitters: Uncertain significance (1); Benign (1); Likely benign (1). Last evaluated 2024-07-29.

Conditions:
Autosomal dominant nonsyndromic hearing loss 17. Also called: Autosomal dominant nonsyndromic deafness 17; Deafness, autosomal dominant 17. Identifiers: Orphanet 90635, MedGen C1863659, MONDO:0011350, OMIM 603622.
MYH9-related disorder. Identifiers: MedGen C1854520.

Allele frequency attached by ClinVar (database versions not stated): TOPMed below 0.00001; gnomAD 0.00001; ExAC 0.00002; gnomAD exomes 0.00002.
gnomAD v4.1: 26 of 1,609,700 alleles (0.0016%); highest among the groups gnomAD compares: East Asian, 0.0022%; no homozygotes.

Submissions (3):

Labcorp Genetics (formerly Invitae), Labcorp
Classification: Likely benign. Last evaluated: 2024-07-29. Review status: criteria provided, single submitter. Criteria: Invitae Variant Classification Sherloc (09022015). Collection method: clinical testing. Allele origin: germline.

Illumina Laboratory Services, Illumina
Classification: Uncertain significance for Autosomal dominant nonsyndromic hearing loss 17. Last evaluated: 2018-01-12. Review status: criteria provided, single submitter. Criteria: ICSL Variant Classification Criteria 13 December 2019. Collection method: clinical testing. Allele origin: germline.

Illumina Laboratory Services, Illumina
Classification: Benign for MYH9-related disorder. Last evaluated: 2018-01-12. Review status: criteria provided, single submitter. Criteria: ICSL Variant Classification Criteria 13 December 2019. Collection method: clinical testing. Allele origin: germline.
Comment: This variant was observed in the ICSL laboratory as part of a predisposition screen in an ostensibly healthy population. It had not been previously curated by ICSL or reported in the Human Gene Mutation Database (HGMD: prior to June 1st, 2018), and was therefore a candidate for classification through an automated scoring system. Utilizing variant allele frequency, disease prevalence and penetrance estimates, and inheritance mode, an automated score was calculated to assess if this variant is too frequent to cause the disease. Based on the score and internal cut-off values, a variant classified as benign is not then subjected to further curation. The score for this variant resulted in a classification of benign for this disease.

NM_002473.6(MYH9):c.3838-11G>A

Gene: MYH9 (myosin heavy chain 9; minus strand). Cytogenetic location: 22q12.3.
Variant type: single nucleotide variant.
Coding change: c.3838-11G>A on transcript NM_002473.6 (MANE Select); 11 bases into the intron before coding-DNA position 3838, G replaced by A.
Molecular consequence: intron variant.
Genome position (GRCh38, 1-based): chr22:36,293,874, C>T on the plus strand (G>A on the coding strand, the complement: MYH9 is on the minus strand). VCF-style: chr22-36293874-C-T. GRCh37 (hg19) VCF-style: chr22-36689920-C-T.
Identifiers: ClinVar variation 341510 (VCV000341510.9), dbSNP rs754547754, ClinGen allele CA10209544.